The following is an entry in ClinVar:

NM_004260.4(RECQL4):c.1573del (p.Cys525fs)

Gene: RECQL4 (RecQ like helicase 4; minus strand). Cytogenetic location: 8q24.3.
Variant type: Deletion.
Coding change: c.1573del on transcript NM_004260.4 (MANE Select); coding-DNA position 1573, one base deleted (T; older notation c.1573delT).
Protein change: p.Cys525fs; shifts the reading frame from cysteine 525.
Molecular consequence: frameshift variant.
Genome position (GRCh38, 1-based): chr8:144,514,983, A deleted on the plus strand (T on the coding strand, the reverse complement: RECQL4 is on the minus strand). VCF-style (leftmost placement, unchanged base first): chr8-144514982-CA-C. GRCh37 (hg19) VCF-style: chr8-145740366-CA-C.
Other names: p.Cys525Alafs*33; c.1573delT (NM_004260.3).
Identifiers: ClinVar variation 6066 (VCV000006066.64), dbSNP rs386833845, ClinGen allele CA144327.

ClinVar aggregate classification (germline): Pathogenic. Review status: criteria provided, multiple submitters, no conflicts (2 of 4 stars). 21 submissions from 19 submitters: Pathogenic (14). 7 of the submissions do not count toward it. Last evaluated 2026-09-04.

Conditions:
RECQL4-related disorder. Also called: RECQL4-related condition; RECQL4-related disorders.
B lymphoblastic leukemia lymphoma with t(12;21)(p13;q22); TEL-AML1 (ETV6-RUNX1). Also called: B Lymphoblastic Leukemia/Lymphoma with t(12;21)(p13.2;q22.1); ETV6-RUNX1. Identifiers: MedGen C2698314.
High grade surface osteosarcoma. Identifiers: MedGen C1266165, MONDO:0006246.
Rothmund-Thomson syndrome type 2 (RTS2). Identifiers: Orphanet 221016, MedGen C5203410, MONDO:0016369, OMIM 268400.
Baller-Gerold syndrome (BGS). Also called: CRANIOSYNOSTOSIS WITH RADIAL DEFECTS. Identifiers: Orphanet 1225, MedGen C0265308, MONDO:0009039, OMIM 218600.
Rapadilino syndrome. Identifiers: Orphanet 3021, MedGen C1849453, MONDO:0009955, OMIM 266280.
Inborn genetic diseases. Identifiers: MedGen C0950123, MeSH D030342.
Rothmund-Thomson syndrome (RTS). Also called: Poikiloderma of Rothmund-Thomson; Poikiloderma Congenitale. Identifiers: Orphanet 2909, MedGen C0032339, MONDO:0010002.

Allele frequency attached by ClinVar (database versions not stated): gnomAD exomes 0.00024 and 0.00041; ExAC 0.00026; 1000 Genomes Project 30x 0.00031; gnomAD 0.00032 and 0.00033; TOPMed 0.00051.

Submissions (21):

PreventionGenetics, part of Exact Sciences
Classification: Pathogenic for RECQL4-related condition. Last evaluated: 2026-09-04. Review status: criteria provided, single submitter. Criteria: ACMG Guidelines, 2015. Collection method: clinical testing. Allele origin: germline.
Comment: The RECQL4 c.1573delT variant is predicted to result in a frameshift and premature protein termination (p.Cys525Alafs*33). This variant has been reported in individuals with Rothmund-Thomson syndrome (Lindor et al. 2000. PubMed ID: 10678659; Siitonen et al. 2009. PubMed ID: 18716613), Baller-Gerold syndrome (described as g.2886delT, Van Maldergem et al. 2006. PubMed ID: 15964893), and hereditary breast/ovarian cancer (Table S3, Tedaldi et al. 2017. PubMed ID: 28423363). This variant is reported in 0.043% of alleles in individuals of European (Non-Finnish) descent in gnomAD and is interpreted as pathogenic by multiple independent submitters to the ClinVar database (Variation ID: 6066). Frameshift variants in RECQL4 are expected to be pathogenic. This variant is interpreted as pathogenic.

Dasa
Classification: Pathogenic. Last evaluated: 2026-03-09. Review status: criteria provided, single submitter. Criteria: DASA Assertion Criteria. Collection method: clinical testing. Allele origin: germline.
Comment: NM_004260.4(RECQL4):c.1573del (p.Cys525AlafsTer33) introduces a premature termination codon predicted to result in loss of normal protein function. Loss-of-function is an established mechanism of disease for this gene. This variant has been recurrently observed in individuals with related phenotype (PMID: 10678659; PMID: 12838562; PMID: 15897384; PMID: 15964893; PMID: 18716613). The variant is present at low frequency in population datasets. Based on the available data, this variant is classified as pathogenic.

Mendelics
Classification: Pathogenic for Rothmund-Thomson syndrome type 2. Last evaluated: 2026-03-05. Review status: criteria provided, single submitter. Criteria: ACMG Guidelines, 2015. Collection method: clinical testing. Allele origin: unknown.
Comment: Likely pathogenic/Pathogenic according to ACMG criteria.

Labcorp Genetics (formerly Invitae), Labcorp
Classification: Pathogenic for Baller-Gerold syndrome. Last evaluated: 2026-01-05. Review status: criteria provided, single submitter. Criteria: Invitae Variant Classification Sherloc (09022015). Collection method: clinical testing. Allele origin: germline.
Comment: This sequence change creates a premature translational stop signal (p.Cys525Alafs*33) in the RECQL4 gene. It is expected to result in an absent or disrupted protein product. Loss-of-function variants in RECQL4 are known to be pathogenic (PMID: 12734318, 12952869). This variant is present in population databases (rs386833845, gnomAD 0.04%). This premature translational stop signal has been observed in individual(s) with RAPADILINO, Baller-Gerold syndrome, and Rothmund–Thomson syndrome (PMID: 10678659, 12838562, 15897384, 15964893, 18716613, 20113479, 29367366, 31829210). In at least one individual the data is consistent with being in trans (on the opposite chromosome) from a pathogenic variant. This variant is also known as g.2886delT. ClinVar contains an entry for this variant (Variation ID: 6066). For these reasons, this variant has been classified as Pathogenic.

Mayo Clinic Laboratories, Mayo Clinic
Classification: Pathogenic. Last evaluated: 2025-10-23. Review status: criteria provided, single submitter. Criteria: ACMG Guidelines, 2015. Collection method: clinical testing. Allele origin: germline. Observed: 1 variant allele.
Comment: PP1, PP4, PM3_very_strong, PVS1

Blueprint Genetics
Classification: Pathogenic for RECQL4-related disorders. Last evaluated: 2024-09-06. Review status: criteria provided, single submitter. Criteria: ACMG Guidelines, 2015. Collection method: clinical testing. Allele origin: germline. Affected: yes. Observed: 5 variant alleles.

GeneDx
Classification: Pathogenic. Last evaluated: 2022-12-16. Review status: criteria provided, single submitter. Criteria: GeneDx Variant Classification Process June 2021. Collection method: clinical testing. Allele origin: germline. Affected: yes.
Comment: Frameshift variant predicted to result in protein truncation or nonsense mediated decay in a gene for which loss-of-function is a known mechanism of disease; This variant is associated with the following publications: (PMID: 31829210, 29367366, 28423363, 12734318, 12838562, 18716613, 15964893, 30947698, 31604778, 29625052, 32081490, 31980526, 31589614, 10678659, 34308104)

CeGaT Center for Human Genetics Tuebingen
Classification: Pathogenic. Last evaluated: 2022-11-01. Review status: criteria provided, single submitter. Criteria: CeGaT Center For Human Genetics Tuebingen Variant Classification Criteria Version 2. Collection method: clinical testing. Allele origin: germline. Affected: yes. Observed: 6 variant alleles.
Comment: RECQL4: PVS1, PS4:Moderate

Fulgent Genetics
Classification: Pathogenic for Baller-Gerold syndrome; Rapadilino syndrome; Rothmund-Thomson syndrome type 2. Last evaluated: 2022-03-06. Review status: criteria provided, single submitter. Criteria: ACMG Guidelines, 2015. Collection method: clinical testing. Allele origin: unknown.

Women's Health and Genetics/Laboratory Corporation of America, LabCorp
Classification: Pathogenic for RECQL4-Related Disorders. Last evaluated: 2021-07-09. Review status: criteria provided, single submitter. Criteria: LabCorp Variant Classification Summary - May 2015. Collection method: clinical testing. Allele origin: germline.
Comment: Variant summary: RECQL4 c.1573delT (p.Cys525AlafsX33) results in a premature termination codon, predicted to cause a truncation of the encoded protein or absence of the protein due to nonsense mediated decay, which are commonly known mechanisms for disease. Truncations downstream of this position have been classified as pathogenic by other laboratories (ClinVar). The variant allele was found at a frequency of 0.00024 in 245124 control chromosomes (gnomAD). c.1573delT has been reported in the literature in multiple individuals affected with RECQL4-Related Disorders (e.g. Siitonen_2009). These data indicate that the variant is very likely to be associated with disease. Three clinical diagnostic laboratories have submitted clinical-significance assessments for this variant to ClinVar after 2014 without evidence for independent evaluation. All laboratories classified the variant as pathogenic. Based on the evidence outlined above, the variant was classified as pathogenic.

Ambry Genetics
Classification: Pathogenic for Inborn genetic diseases. Last evaluated: 2021-05-21. Review status: criteria provided, single submitter. Criteria: Ambry Variant Classification Scheme 2023. Collection method: clinical testing. Allele origin: germline.
Comment: The c.1573delT (p.C525Afs*33) alteration, located in exon 9 (coding exon 9) of the RECQL4 gene, consists of a deletion of one nucleotide at position 1573, causing a translational frameshift with a predicted alternate stop codon after 33 amino acids. This alteration is expected to result in loss of function by premature protein truncation or nonsense-mediated mRNA decay. This variant has been reported in the homozygous and compound heterozygous states in individuals with RECQL4-related disorders with and without malignancies (Van Maldergem, 2006; Siitonen, 2009). Based on the available evidence, this alteration is classified as pathogenic.

Genetic Services Laboratory, University of Chicago
Classification: Pathogenic for Rothmund-Thomson syndrome. Last evaluated: 2017-02-23. Review status: criteria provided, single submitter. Criteria: ACMG Guidelines, 2015. Collection method: clinical testing. Allele origin: germline. Affected: yes.

St. Jude Molecular Pathology, St. Jude Children's Research Hospital
Classification: Pathogenic for High Grade Surface Osteosarcoma. Last evaluated: 2016-07-20. Review status: criteria provided, single submitter. Criteria: ACMG Guidelines, 2015. Collection method: clinical testing. Allele origin: germline. Affected: yes.

St. Jude Molecular Pathology, St. Jude Children's Research Hospital
Classification: Pathogenic for B Lymphoblastic Leukemia/Lymphoma with t(12;21)(p13.2;q22.1); ETV6-RUNX1. Last evaluated: 2016-01-15. Review status: criteria provided, single submitter. Criteria: ACMG Guidelines, 2015. Collection method: clinical testing. Allele origin: germline. Affected: yes.

OMIM
Classification: Pathogenic for ROTHMUND-THOMSON SYNDROME, TYPE 2. Last evaluated: 2006-02-01. Review status: no assertion criteria provided. Collection method: literature only. Allele origin: germline. Not counted in ClinVar's aggregate classification.

OMIM
Classification: Pathogenic for BALLER-GEROLD SYNDROME. Last evaluated: 2006-02-01. Review status: no assertion criteria provided. Collection method: literature only. Allele origin: germline. Not counted in ClinVar's aggregate classification.

Clinical Genetics DNA and cytogenetics Diagnostics Lab, Erasmus MC, Erasmus Medical Center
Classification: Pathogenic. Review status: no assertion criteria provided. Collection method: clinical testing. Allele origin: germline. Affected: yes. Study: VKGL Data-share Consensus. Not counted in ClinVar's aggregate classification.

Diagnostic Laboratory, Department of Genetics, University Medical Center Groningen
Classification: Pathogenic. Review status: no assertion criteria provided. Collection method: clinical testing. Allele origin: germline. Affected: yes. Study: VKGL Data-share Consensus. Not counted in ClinVar's aggregate classification.

GeneReviews
No classification provided. Condition: Baller-Gerold syndrome. Review status: no classification provided. Collection method: literature only. Allele origin: germline. Not counted in ClinVar's aggregate classification.

Joint Genome Diagnostic Labs from Nijmegen and Maastricht, Radboudumc and MUMC+
Classification: Pathogenic. Review status: no assertion criteria provided. Collection method: clinical testing. Allele origin: germline. Affected: yes. Study: VKGL Data-share Consensus. Not counted in ClinVar's aggregate classification.

Juha Muilu Group; Institute for Molecular Medicine Finland (FIMM)
Classification: Likely pathogenic for Rapadilino syndrome. Review status: no assertion criteria provided. Collection method: not provided. Allele origin: unknown. Not counted in ClinVar's aggregate classification.
Comment: FinDis database variant: This variant was not found or characterized by our laboratory, data were collected from public sources: see reference
ClinVar note: Converted during submission from probable-pathogenic to Likely pathogenic.

Literature cited by the submitters: PubMed 10678659 (cited by 4 submitters); PubMed 12838562 (cited by 4 submitters); PubMed 15897384 (cited by 3 submitters); PubMed 15964893 (cited by 5 submitters); PubMed 18716613 (cited by 5 submitters); PubMed 20113479 (cited by Dasa and Labcorp Genetics (formerly Invitae), Labcorp); PubMed 29367366 (cited by 3 submitters); PubMed 31829210 (cited by 3 submitters); PubMed 12734318 (cited by 3 submitters); PubMed 12952869 (cited by Labcorp Genetics (formerly Invitae), Labcorp); NCBI Bookshelf NBK1204 (cited by GeneReviews).